The following is an entry in ClinVar:

ClinVar aggregate classification (germline): Likely benign. Review status: criteria provided, multiple submitters, no conflicts (2 of 4 stars). 2 submissions from 2 submitters: Likely benign (2). Last evaluated 2022-10-01.

Allele frequency attached by ClinVar (database versions not stated): ESP Exome Variant Server 0.00024; gnomAD 0.00039 and 0.00044; gnomAD exomes 0.00041 and 0.00089; 1000 Genomes Project 30x 0.00047; TOPMed 0.00053; 1000 Genomes Project 0.00060; ExAC 0.00086.
gnomAD v4.1: 692 of 1,613,538 alleles (0.043%); highest among the groups gnomAD compares: Middle Eastern, 0.18%; 2 homozygotes.

Submissions (3):

CeGaT Center for Human Genetics Tuebingen
Classification: Likely benign. Last evaluated: 2022-10-01. Review status: criteria provided, single submitter. Criteria: CeGaT Center For Human Genetics Tuebingen Variant Classification Criteria Version 2. Collection method: clinical testing. Allele origin: germline. Affected: yes. Observed: 1 variant allele.
Comment: MYOF: BP4, BP7

Labcorp Genetics (formerly Invitae), Labcorp
Classification: Likely benign. Last evaluated: 2018-03-30. Review status: criteria provided, single submitter. Criteria: Invitae Variant Classification Sherloc (09022015). Collection method: clinical testing. Allele origin: germline.

Dr. Peter K. Rogan Lab, Western University
No classification provided (evidence only). Condition: Lung cancer. Review status: no classification provided. Collection method: in vitro. Allele origin: not applicable. Functional consequence: retained intron. Not counted in ClinVar's aggregate classification.

NM_013451.4(MYOF):c.246C>T (p.Gly82=)

Gene: MYOF (myoferlin; minus strand). Cytogenetic location: 10q23.33.
Variant type: single nucleotide variant.
Coding change: c.246C>T on transcript NM_013451.4 (MANE Select); coding-DNA position 246, C replaced by T.
Protein change: p.Gly82=; no amino-acid change (glycine 82 retained).
Molecular consequence: synonymous variant.
Genome position (GRCh38, 1-based): chr10:93,431,507, G>A on the plus strand (C>T on the coding strand, the complement: MYOF is on the minus strand). VCF-style: chr10-93431507-G-A. GRCh37 (hg19) VCF-style: chr10-95191264-G-A.
Other names: NC_000010.10:g.95191264G>A; c.246C>T, p.Gly82= (NM_133337.3).
Identifiers: ClinVar variation 747434 (VCV000747434.28), dbSNP rs200611039, ClinGen allele CA5608674.